The following is an entry in ClinVar:

ClinVar aggregate classification (germline): Conflicting classifications of pathogenicity. Review status: criteria provided, conflicting classifications (1 of 4 stars). 4 submissions from 4 submitters: Uncertain significance (2); Likely benign (2). Last evaluated 2026-04-27.

Conditions:
Familial adenomatous polyposis 3. Also called: NTHL1 Tumor Syndrome; NTHL1-related attenuated familial adenomatous polyposis; NTHL1-associated polyposis; NTHL1-Related Adenomatous Polyposis and Colorectal Cancer. Identifiers: Orphanet 220460, Orphanet 454840, MedGen C4225157, MONDO:0014630, OMIM 616415.
Hereditary cancer-predisposing syndrome. Also called: Neoplastic Syndromes, Hereditary; Tumor predisposition; Hereditary Cancer Syndrome; Hereditary neoplastic syndrome. Identifiers: Orphanet 140162, MedGen C0027672, MeSH D009386, MONDO:0015356.

Allele frequency attached by ClinVar (database versions not stated): TOPMed 0.00001.

Submissions (4):

Ambry Genetics
Classification: Uncertain significance for Hereditary cancer-predisposing syndrome. Last evaluated: 2026-04-27. Review status: criteria provided, single submitter. Criteria: Ambry Variant Classification Scheme 2023. Collection method: clinical testing. Allele origin: germline.
Comment: The c.397C>T variant (also known as p.L133L), located in coding exon 3 of the NTHL1 gene, results from a C to T substitution at nucleotide position 397. This nucleotide substitution does not change the leucine at codon 133. This nucleotide position is well conserved in available vertebrate species. In silico splice site analysis for this alteration is inconclusive. Based on the available evidence, the clinical significance of this variant remains unclear.

Labcorp Genetics (formerly Invitae), Labcorp
Classification: Likely benign. Last evaluated: 2024-12-02. Review status: criteria provided, single submitter. Criteria: Invitae Variant Classification Sherloc (09022015). Collection method: clinical testing. Allele origin: germline.

Department of Pathology and Laboratory Medicine, Sinai Health System
Classification: Likely benign for Familial adenomatous polyposis 3. Last evaluated: 2021-11-26. Review status: criteria provided, single submitter. Criteria: ACMG Guidelines, 2015. Collection method: clinical testing. Allele origin: germline. Affected: yes.

GeneDx
Classification: Uncertain significance. Last evaluated: 2019-05-09. Review status: criteria provided, single submitter. Criteria: GeneDx Variant Classification Process June 2021. Collection method: clinical testing. Allele origin: germline. Affected: yes.
Comment: In-silico analysis, which includes splice predictors and evolutionary conservation, is inconclusive as to whether the variant alters gene splicing. In the absence of RNA/functional studies, the actual effect of this sequence change is unknown.

NM_002528.7(NTHL1):c.373C>T (p.Leu125=)

Gene: NTHL1 (nth like DNA glycosylase 1; minus strand). Cytogenetic location: 16p13.3.
Variant type: single nucleotide variant.
Coding change: c.373C>T on transcript NM_002528.7 (MANE Select); coding-DNA position 373, C replaced by T.
Protein change: p.Leu125=; no amino-acid change (leucine 125 retained).
Molecular consequence: synonymous variant. On other transcripts: intron variant (1).
Genome position (GRCh38, 1-based): chr16:2,044,782, G>A on the plus strand (C>T on the coding strand, the complement: NTHL1 is on the minus strand). VCF-style: chr16-2044782-G-A. GRCh37 (hg19) VCF-style: chr16-2094783-G-A.
Other names: c.43C>T, p.Leu15= (NM_001318194.2); c.355-1056C>T (NM_001318193.2).
Identifiers: ClinVar variation 1148995 (VCV001148995.13), dbSNP rs1397440217, ClinGen allele CA492953016.